The following is an entry in ClinVar:

NM_005681.4(TAF1A):c.1021G>A (p.Gly341Arg)

Gene: TAF1A (TATA-box binding protein associated factor, RNA polymerase I subunit A; minus strand). Cytogenetic location: 1q41.
Variant type: single nucleotide variant.
Coding change: c.1021G>A on transcript NM_005681.4 (MANE Select); coding-DNA position 1021, G replaced by A.
Protein change: p.Gly341Arg; replaces glycine 341 with arginine.
Molecular consequence: missense variant.
Genome position (GRCh38, 1-based): chr1:222,563,237, C>T on the plus strand (G>A on the coding strand, the complement: TAF1A is on the minus strand). VCF-style: chr1-222563237-C-T. GRCh37 (hg19) VCF-style: chr1-222736579-C-T.
Other names: NC_000001.10:g.222736579C>T; c.1021G>A, p.Gly341Arg (NM_001201536.1); c.679G>A, p.Gly227Arg (NM_139352.2); short protein forms G227R, G341R.
Identifiers: ClinVar variation 1232300 (VCV001232300.8), dbSNP rs765321518, ClinGen allele CA1406110.

ClinVar aggregate classification (germline): Uncertain significance. Review status: criteria provided, multiple submitters, no conflicts (2 of 4 stars). 3 submissions from 3 submitters: Uncertain significance (2). 1 of the submissions does not count toward it. Last evaluated 2022-07-06.

Conditions:
Cardiomyopathy, familial restrictive, 6. Identifiers: MedGen C5543638, MONDO:0030330, OMIM 619433.
Primary dilated cardiomyopathy (DCM). Also called: Dilated Cardiomyopathy. Identifiers: Orphanet 217604, MedGen C0007193, MeSH D002311, MONDO:0005021, HP:0001644. Inheritance: Various modes of inheritance.

Allele frequency attached by ClinVar (database versions not stated): gnomAD exomes 0.00002 and 0.00003; ExAC 0.00003; TOPMed 0.00003; gnomAD 0.00004.
gnomAD v4.1: 36 of 1,612,710 alleles (0.0022%); highest among the groups gnomAD compares: East Asian, 0.0045%; no homozygotes.

Submissions (4):

Revvity Omics, Revvity
Classification: Uncertain significance. Last evaluated: 2022-07-06. Review status: criteria provided, single submitter. Criteria: ACMG Guidelines, 2015. Collection method: clinical testing. Allele origin: germline.

Kasturba Medical College, Manipal, Kasturba Medical College, Manipal, Manipal Academy of Higher Education, Manipal, India
Classification: Uncertain significance for Dilated cardiomyopathy. Review status: criteria provided, single submitter. Criteria: ACMG Guidelines, 2015. Collection method: clinical testing. Allele origin: germline. Affected: yes.

Columbia University Laboratory of Personalized Genomic Medicine, Columbia University Medical Center
Classification: Uncertain significance for Cardiomyopathy, familial restrictive, 6. Last evaluated: 2021-07-30. Review status: no assertion criteria provided. Collection method: clinical testing. Allele origin: germline. Inheritance: Autosomal recessive inheritance. Affected: yes. Observed: 1 compound heterozygote. Not counted in ClinVar's aggregate classification.
Comment: This variant is rare from the gnomAD database with allele frequency 0.00002797 (7/250252 heterozygotes, 0 homozygote) indicating that it is not a common benign occurrence in the populations represented in the database. TAF1A encodes a TATA box-binding protein-associated factor which is required for RNA polymerase I to synthesize ribosomal RNA. In one study, the TAF1A gene specific subcellular phenotype was identified in approximately 50% of the cardiomyocytes of the affected sisters and was absent in pediatric normal and DCM controls. In a functional study of this gene, TAF1A-/- zebrafish recapitulate a heart failure phenotype (PMID: 28472305). However, since only one pediatric cardiomyopathy family has been reported with compound heterozygous TAF1A variants, the gene-disease association for TAF1A with pediatric cardiomyopathy remains uncertain. Given these evidences, TAF1A is a gene of unknown significance and therefore the c.1021G>A, p.Gly341Arg variant is classified as variant of unknown significance.

Dr. Peter K. Rogan Lab, Western University
No classification provided (evidence only). Condition: Familial cancer of breast. Review status: no classification provided. Collection method: in vitro. Allele origin: not applicable. Functional consequence: skipped exon. Not counted in ClinVar's aggregate classification.

Literature cited by the submitters: DOI 10.1093/hmg/ddx169 (cited by Columbia University Laboratory of Personalized Genomic Medicine, Columbia University Medical Center); DOI 10.3390/jcdd4030011 (cited by Columbia University Laboratory of Personalized Genomic Medicine, Columbia University Medical Center).